The following is an entry in ClinVar:

ClinVar aggregate classification (germline): Conflicting classifications of pathogenicity. Review status: criteria provided, conflicting classifications (1 of 4 stars). 6 submissions from 6 submitters: Uncertain significance (1); Benign (4). 1 of the submissions does not count toward it. Last evaluated 2026-09-01.

Conditions:
Rhizomelic chondrodysplasia punctata type 2 (RCDP2). Also called: Chondrodysplasia punctata, rhizomelic, due to dihydroxyacetonephosphate acyltransferase deficiency; DHAPAT DEFICIENCY; PEROXISOMAL DIHYDROXYACETONEPHOSPHATE ACYLTRANSFERASE DEFICIENCY; glyceronephosphate O-acyltransferase (GNPAT) deficiency; Glyceronephosphate O-acyltransferase deficiency; DIHYDROXYACETONEPHOSPHATE ACYLTRANSFERASE DEFICIENCY. Identifiers: Orphanet 177, Orphanet 309796, MedGen C1857242, MONDO:0100273, OMIM 222765. Disease mechanism: loss of function.

Submissions (6):

CeGaT Center for Human Genetics Tuebingen
Classification: Benign. Last evaluated: 2026-09-01. Review status: criteria provided, single submitter. Criteria: CeGaT Center For Human Genetics Tuebingen Variant Classification Criteria Version 2. Collection method: clinical testing. Allele origin: germline. Affected: yes. Observed: 29 variant alleles.
Comment: GNPAT: BS1, BS2

Labcorp Genetics (formerly Invitae), Labcorp
Classification: Benign. Last evaluated: 2026-02-04. Review status: criteria provided, single submitter. Criteria: Invitae Variant Classification Sherloc (09022015). Collection method: clinical testing. Allele origin: germline.

ARUP Laboratories, Molecular Genetics and Genomics, ARUP Laboratories
Classification: Benign for Rhizomelic chondrodysplasia punctata type 2. Last evaluated: 2024-11-15. Review status: criteria provided, single submitter. Criteria: ARUP Molecular Germline Variant Investigation Process 2024. Collection method: clinical testing. Allele origin: germline.

GeneDx
Classification: Benign. Last evaluated: 2016-11-16. Review status: criteria provided, single submitter. Criteria: GeneDx Variant Classification Process June 2021. Collection method: clinical testing. Allele origin: germline. Affected: yes.

Genetic Services Laboratory, University of Chicago
Classification: Uncertain significance. Last evaluated: 2014-10-21. Review status: criteria provided, single submitter. Criteria: ACMG Guidelines, 2015. Collection method: clinical testing. Allele origin: germline.

Mayo Clinic Laboratories, Mayo Clinic
Classification: Likely benign. Last evaluated: 2015-12-16. Review status: no assertion criteria provided. Collection method: clinical testing. Allele origin: unknown. Not counted in ClinVar's aggregate classification.

NM_014236.4(GNPAT):c.569-11del

Gene: GNPAT (glyceronephosphate O-acyltransferase; plus strand). Cytogenetic location: 1q42.2.
Variant type: Deletion.
Coding change: c.569-11del on transcript NM_014236.4 (MANE Select); 11 bases into the intron before coding-DNA position 569, one base deleted (C; older notation c.569-11delC).
Molecular consequence: intron variant.
Genome position (GRCh38, 1-based): chr1:231,265,282, C deleted; the last of 4 consecutive C bases (chr1:231,265,279-231,265,282); deleting any one gives the same sequence. VCF-style (leftmost placement, unchanged base first): chr1-231265278-TC-T. GRCh37 (hg19) VCF-style: chr1-231401024-TC-T.
Other names: c.386-11del (NM_001316350.2).
Identifiers: ClinVar variation 211091 (VCV000211091.57), dbSNP rs199905093, ClinGen allele CA206474.